The following is an entry in ClinVar:

ClinVar aggregate classification (germline): Conflicting classifications of pathogenicity. Review status: criteria provided, conflicting classifications (1 of 4 stars). 2 submissions from 2 submitters: Uncertain significance (1); Likely benign (1). Last evaluated 2023-12-14.

Conditions:
Nephronophthisis 15 (NPHP15). Identifiers: Orphanet 3156, MedGen C3541853, MONDO:0013917, OMIM 614845.
Inborn genetic diseases. Identifiers: MedGen C0950123, MeSH D030342.

Allele frequency attached by ClinVar (database versions not stated): ExAC 0.00001; gnomAD 0.00001 and 0.00005; gnomAD exomes 0.00001; TOPMed 0.00002.
gnomAD v4.1: 18 of 1,609,148 alleles (0.0011%); highest among the groups gnomAD compares: Middle Eastern, 0.017%; no homozygotes.

Submissions (2):

Ambry Genetics
Classification: Likely benign for Inborn genetic diseases. Last evaluated: 2023-12-14. Review status: criteria provided, single submitter. Criteria: Ambry Variant Classification Scheme 2023. Collection method: clinical testing. Allele origin: germline.

Labcorp Genetics (formerly Invitae), Labcorp
Classification: Uncertain significance for Nephronophthisis 15. Last evaluated: 2022-08-22. Review status: criteria provided, single submitter. Criteria: Invitae Variant Classification Sherloc (09022015). Collection method: clinical testing. Allele origin: germline.
Comment: This sequence change replaces arginine, which is basic and polar, with histidine, which is basic and polar, at codon 486 of the CEP164 protein (p.Arg486His). The frequency data for this variant in the population databases is considered unreliable, as metrics indicate poor data quality at this position in the gnomAD database. This variant has not been reported in the literature in individuals affected with CEP164-related conditions. ClinVar contains an entry for this variant (Variation ID: 1525173). Algorithms developed to predict the effect of missense changes on protein structure and function output the following: SIFT: "Tolerated"; PolyPhen-2: "Benign"; Align-GVGD: "Class C0". The histidine amino acid residue is found in multiple mammalian species, which suggests that this missense change does not adversely affect protein function. In summary, the available evidence is currently insufficient to determine the role of this variant in disease. Therefore, it has been classified as a Variant of Uncertain Significance.

NM_014956.5(CEP164):c.1457G>A (p.Arg486His)

Gene: CEP164 (centrosomal protein 164; plus strand). Cytogenetic location: 11q23.3.
Variant type: single nucleotide variant.
Coding change: c.1457G>A on transcript NM_014956.5 (MANE Select); coding-DNA position 1457, G replaced by A.
Protein change: p.Arg486His; replaces arginine 486 with histidine.
Molecular consequence: missense variant.
Genome position (GRCh38, 1-based): chr11:117,381,748, G>A. VCF-style: chr11-117381748-G-A. GRCh37 (hg19) VCF-style: chr11-117252464-G-A.
Other names: c.1466G>A, p.Arg489His (NM_001271933.2); c.1457G>A (NM_014956.4); short protein forms R486H, R489H.
Identifiers: ClinVar variation 1525173 (VCV001525173.6), dbSNP rs545471229, ClinGen allele CA6294763.
Genomic context (GRCh38, chr11:117,381,748, plus strand): 5'-CCGGCCTGACCAGGTTATCTCCTCCACTTCCACACGAGGAGCGGGCCCAGAGTCCCCCTC[G>A]CAGCCTGGCCACTGAAGAAGAGCCTCCCCAGGGCCCCGAGGGGCAGCCCGAGTGGAAGGA-3'
Protein context (NP_055771.4, residues 476-496): PHEERAQSPP[Arg486His]SLATEEEPPQ